The following is an entry in ClinVar:

ClinVar aggregate classification (germline): Uncertain significance. Review status: criteria provided, multiple submitters, no conflicts (2 of 4 stars). 3 submissions from 3 submitters: Uncertain significance (3). Last evaluated 2017-05-23.

Submissions (3):

Laboratory for Molecular Medicine, Mass General Brigham Personalized Medicine
Classification: Uncertain significance. Last evaluated: 2017-05-23. Review status: criteria provided, single submitter. Criteria: ACMG Guidelines, 2015. Collection method: clinical testing. Allele origin: germline.
Comment: Please note, it is unclear if these two variants occurred independently or as a single event (p.Asp431_Asp433delinsAsnAlaAsn). Both variants were absent from large population studies. Computational prediction tools and conservation analyses suggest that the p.Asp433Asn variant may impact the protein, though this information is not predictive enough to determine pathogenicity. In summary, the clinical significance of the p.Asp433Asn variant is uncertain.

Genetic Services Laboratory, University of Chicago
Classification: Uncertain significance. Last evaluated: 2017-05-22. Review status: criteria provided, single submitter. Criteria: ACMG Guidelines, 2015. Collection method: clinical testing. Allele origin: germline. Affected: no.

Eurofins Ntd Llc (ga)
Classification: Uncertain significance. Last evaluated: 2017-05-16. Review status: criteria provided, single submitter. Criteria: EGL Classification Definitions 2015. Collection method: clinical testing. Allele origin: germline. Observed: 2 variant alleles, 1 heterozygote, 1 hemizygote.

Literature cited by the submitters: PubMed 9305655 (cited by Laboratory for Molecular Medicine, Mass General Brigham Personalized Medicine).

NM_000252.3(MTM1):c.1297G>A (p.Asp433Asn)

Gene: MTM1 (myotubularin 1; plus strand). Cytogenetic location: Xq28.
Variant type: single nucleotide variant.
Coding change: c.1297G>A on transcript NM_000252.3 (MANE Select); coding-DNA position 1297, G replaced by A.
Protein change: p.Asp433Asn; replaces aspartic acid 433 with asparagine.
Molecular consequence: missense variant.
Genome position (GRCh38, 1-based): chrX:150,659,700, G>A. VCF-style: chrX-150659700-G-A. GRCh37 (hg19) VCF-style: chrX-149828173-G-A.
Other names: c.1297G>A, p.Asp433Asn (NM_001376906.1, NM_001376908.1); c.1186G>A, p.Asp396Asn (NM_001376907.1); short protein forms D433N, D396N.
Identifiers: ClinVar variation 281933 (VCV000281933.11), dbSNP rs886044783, ClinGen allele CA10604010.